The following is an entry in ClinVar:

ClinVar aggregate classification (germline): Pathogenic/Likely pathogenic. Review status: criteria provided, multiple submitters, no conflicts (2 of 4 stars). 3 submissions from 3 submitters: Pathogenic (2); Likely pathogenic (1). Last evaluated 2025-12-17.

Conditions:
Cardiovascular phenotype. Identifiers: MedGen CN230736.

Submissions (3):

Ambry Genetics
Classification: Pathogenic for Cardiovascular phenotype. Last evaluated: 2025-12-17. Review status: criteria provided, single submitter. Criteria: Ambry Variant Classification Scheme 2023. Collection method: clinical testing. Allele origin: germline.
Comment: The c.2023dupC variant, located in coding exon 5 of the ALPK3 gene, results from a duplication of C at nucleotide position 2023, causing a translational frameshift with a predicted alternate stop codon (p.Q675Pfs*4). This variant is considered to be rare based on population cohorts in the Genome Aggregation Database (gnomAD). This alteration is expected to result in loss of function by premature protein truncation or nonsense-mediated mRNA decay. As such, this alteration is interpreted as a disease-causing mutation.

Labcorp Genetics (formerly Invitae), Labcorp
Classification: Pathogenic. Last evaluated: 2025-10-23. Review status: criteria provided, single submitter. Criteria: Invitae Variant Classification Sherloc (09022015). Collection method: clinical testing. Allele origin: germline.
Comment: This sequence change creates a premature translational stop signal (p.Gln675Profs*4) in the ALPK3 gene. It is expected to result in an absent or disrupted protein product. Loss-of-function variants in ALPK3 are known to be pathogenic (PMID: 21441111, 26846950, 27106955, 34263907). This variant is present in population databases (no rsID available, gnomAD 0.01%). This variant has not been reported in the literature in individuals affected with ALPK3-related conditions. ClinVar contains an entry for this variant (Variation ID: 1381668). For these reasons, this variant has been classified as Pathogenic.

GeneDx
Classification: Likely pathogenic. Last evaluated: 2024-08-09. Review status: criteria provided, single submitter. Criteria: GeneDx Variant Classification Process June 2021. Collection method: clinical testing. Allele origin: germline.
Comment: Frameshift variant predicted to result in protein truncation or nonsense mediated decay in a gene for which loss of function is a known mechanism of disease; Not observed at significant frequency in large population cohorts (gnomAD); Has not been previously published as pathogenic or benign to our knowledge

Literature cited by the submitters: PubMed 21441111 (cited by Labcorp Genetics (formerly Invitae), Labcorp); PubMed 26846950 (cited by Labcorp Genetics (formerly Invitae), Labcorp); PubMed 27106955 (cited by Labcorp Genetics (formerly Invitae), Labcorp); PubMed 34263907 (cited by Labcorp Genetics (formerly Invitae), Labcorp).

NM_020778.5(ALPK3):c.1417dup (p.Gln473fs)

Gene: ALPK3 (alpha kinase 3; plus strand). Cytogenetic location: 15q25.3.
Variant type: Duplication.
Coding change: c.1417dup on transcript NM_020778.5 (MANE Select); coding-DNA position 1417, one base duplicated (C; older notation c.1417dupC).
Protein change: p.Gln473fs; shifts the reading frame from glutamine 473.
Molecular consequence: frameshift variant.
Genome position (GRCh38, 1-based): chr15:84,840,696, C duplicated; the last of 6 consecutive C bases (chr15:84,840,691-84,840,696); duplicating any one gives the same sequence. VCF-style (leftmost placement, unchanged base first): chr15-84840690-A-AC. GRCh37 (hg19) VCF-style: chr15-85383921-A-AC.
Other names: short protein forms Q473fs.
Identifiers: ClinVar variation 1381668 (VCV001381668.11), dbSNP rs769139957, ClinGen allele CA619855178.